The following is an entry in ClinVar:

ClinVar aggregate classification (germline): Benign/Likely benign. Review status: criteria provided, multiple submitters, no conflicts (2 of 4 stars). 3 submissions from 3 submitters: Benign (1); Likely benign (2). Last evaluated 2024-05-23.

Conditions:
Ataxia-telangiectasia syndrome (AT). Also called: ATAXIA-TELANGIECTASIA, COMPLEMENTATION GROUP A; ATAXIA-TELANGIECTASIA, FRESNO VARIANT; Ataxia-telangiectasia; Ataxia-telangiectasia, complementation group D; AT, COMPLEMENTATION GROUP C; Ataxia-telangiectasia, complementation group E. Identifiers: Orphanet 100, MedGen C0004135, MONDO:0008840, OMIM 208900.
Hereditary cancer-predisposing syndrome. Also called: Neoplastic Syndromes, Hereditary; Tumor predisposition; Hereditary Cancer Syndrome; Hereditary neoplastic syndrome. Identifiers: Orphanet 140162, MedGen C0027672, MeSH D009386, MONDO:0015356.
Familial cancer of breast. Also called: hereditary breast carcinoma; BREAST CANCER, FAMILIAL; Hereditary breast cancer. Identifiers: Orphanet 227535, MedGen C0346153, MONDO:0016419, OMIM 114480. Disease mechanism: loss of function.

Allele frequency attached by ClinVar (database versions not stated): TOPMed below 0.00001; gnomAD 0.00001.
gnomAD v4.1: 1 of 1,613,352 alleles (0.000062%); highest among the groups gnomAD compares: African/African-American, 0.0013%; no homozygotes.

Submissions (3):

Myriad Genetics, Inc.
Classification: Benign for Familial cancer of breast. Last evaluated: 2024-05-23. Review status: criteria provided, single submitter. Criteria: Myriad Autosomal Dominant, Autosomal Recessive and X-Linked Classification Criteria (2023). Collection method: clinical testing. Allele origin: unknown.
Comment: This variant is considered benign. This variant is a silent/synonymous amino acid change and it is not expected to impact splicing.

Labcorp Genetics (formerly Invitae), Labcorp
Classification: Likely benign for Ataxia-telangiectasia syndrome. Last evaluated: 2024-02-12. Review status: criteria provided, single submitter. Criteria: Invitae Variant Classification Sherloc (09022015). Collection method: clinical testing. Allele origin: germline.

Ambry Genetics
Classification: Likely benign for Hereditary cancer-predisposing syndrome. Last evaluated: 2018-01-29. Review status: criteria provided, single submitter. Criteria: Ambry Variant Classification Scheme 2023. Collection method: clinical testing. Allele origin: germline.

NM_000051.4(ATM):c.5382G>A (p.Leu1794=)

Gene: ATM (ATM serine/threonine kinase; plus strand). Cytogenetic location: 11q22.3.
Variant type: single nucleotide variant.
Coding change: c.5382G>A on transcript NM_000051.4 (MANE Select); coding-DNA position 5382, G replaced by A.
Protein change: p.Leu1794=; no amino-acid change (leucine 1794 retained).
Molecular consequence: synonymous variant.
Genome position (GRCh38, 1-based): chr11:108,302,915, G>A. VCF-style: chr11-108302915-G-A. GRCh37 (hg19) VCF-style: chr11-108173642-G-A.
Other names: c.5382G>A, p.Leu1794= (NM_001351834.2).
Identifiers: ClinVar variation 524442 (VCV000524442.13), dbSNP rs188362115, ClinGen allele CA476674926.